The following is an entry in ClinVar:

ClinVar aggregate classification (germline): Conflicting classifications of pathogenicity. Review status: criteria provided, conflicting classifications (1 of 4 stars). 14 submissions from 14 submitters: Uncertain significance (1); Benign (8); Likely benign (3). 2 of the submissions do not count toward it. Last evaluated 2026-02-04.

Conditions:
JPH2-related disorder. Also called: JPH2-related condition.
Cardiovascular phenotype. Identifiers: MedGen CN230736.
Hypertrophic cardiomyopathy 17. Identifiers: MedGen C3151264, MONDO:0013474, OMIM 613873.
Hypertrophic cardiomyopathy. Also called: HYPERTROPHIC MYOCARDIOPATHY. Identifiers: Orphanet 217569, MedGen C0007194, MeSH D002312, MONDO:0005045, HP:0001639.

Allele frequency attached by ClinVar (database versions not stated): gnomAD exomes 0.00075 and 0.00052; gnomAD 0.00596 and 0.00630; TOPMed 0.00681; ExAC 0.00109; 1000 Genomes Project 0.00839; 1000 Genomes Project 30x 0.01031.
gnomAD v4.1: 1,647 of 1,502,424 alleles (0.11%); highest among the groups gnomAD compares: African/African-American, 2.1%; 16 homozygotes.

Submissions (14):

Labcorp Genetics (formerly Invitae), Labcorp
Classification: Benign for Hypertrophic cardiomyopathy. Last evaluated: 2026-02-04. Review status: criteria provided, single submitter. Criteria: Invitae Variant Classification Sherloc (09022015). Collection method: clinical testing. Allele origin: germline.

ARUP Laboratories, Molecular Genetics and Genomics, ARUP Laboratories
Classification: Benign. Last evaluated: 2025-04-02. Review status: criteria provided, single submitter. Criteria: ARUP Molecular Germline Variant Investigation Process 2024. Collection method: clinical testing. Allele origin: germline.

Blueprint Genetics
Classification: Likely benign. Last evaluated: 2024-11-11. Review status: criteria provided, single submitter. Criteria: ACMG Guidelines, 2015. Collection method: clinical testing. Allele origin: germline.

Mayo Clinic Laboratories, Mayo Clinic
Classification: Benign. Last evaluated: 2024-05-02. Review status: criteria provided, single submitter. Criteria: ACMG Guidelines, 2015. Collection method: clinical testing. Allele origin: germline. Observed: 5 variant alleles.
Comment: BS1, BS2, BP4

CeGaT Center for Human Genetics Tuebingen
Classification: Benign. Last evaluated: 2023-12-01. Review status: criteria provided, single submitter. Criteria: CeGaT Center For Human Genetics Tuebingen Variant Classification Criteria Version 2. Collection method: clinical testing. Allele origin: germline. Affected: yes. Observed: 1 variant allele.
Comment: JPH2: BS1, BS2

Women's Health and Genetics/Laboratory Corporation of America, LabCorp
Classification: Likely benign. Last evaluated: 2023-04-26. Review status: criteria provided, single submitter. Criteria: LabCorp Variant Classification Summary - May 2015. Collection method: clinical testing. Allele origin: germline.

GeneDx
Classification: Benign. Last evaluated: 2022-05-10. Review status: criteria provided, single submitter. Criteria: GeneDx Variant Classification Process June 2021. Collection method: clinical testing. Allele origin: germline. Affected: yes.
Comment: See Variant Classification Assertion Criteria.

Molecular Diagnostic Laboratory for Inherited Cardiovascular Disease, Montreal Heart Institute
Classification: Likely benign. Last evaluated: 2019-03-19. Review status: criteria provided, single submitter. Criteria: ACMG Guidelines, 2015. Collection method: clinical testing. Allele origin: germline. Affected: yes.

Fulgent Genetics
Classification: Uncertain significance for Hypertrophic cardiomyopathy 17. Last evaluated: 2017-05-23. Review status: criteria provided, single submitter. Criteria: ACMG Guidelines, 2015. Collection method: clinical testing. Allele origin: unknown.

Eurofins Ntd Llc (ga)
Classification: Benign. Last evaluated: 2017-04-12. Review status: criteria provided, single submitter. Criteria: EGL Classification Definitions 2015. Collection method: clinical testing. Allele origin: germline. Observed: 1 variant allele, 1 heterozygote.

Ambry Genetics
Classification: Benign for Cardiovascular phenotype. Last evaluated: 2017-03-06. Review status: criteria provided, single submitter. Criteria: Ambry Variant Classification Scheme 2023. Collection method: clinical testing. Allele origin: germline.

Laboratory for Molecular Medicine, Mass General Brigham Personalized Medicine
Classification: Benign. Last evaluated: 2015-10-22. Review status: criteria provided, single submitter. Criteria: LMM Criteria. Collection method: clinical testing. Allele origin: germline. Observed: 4 variant alleles.
Comment: p.Phe221Leu in exon 2 of JPH2: This variant is not expected to have clinical sig nificance due to high population frequency. It has been identified in 4.82% (8/ 166) of African chromosomes by the Exome Aggregation Consortium (ExAC; rs558770240).

PreventionGenetics, part of Exact Sciences
Classification: Benign for JPH2-related condition. Last evaluated: 2019-09-13. Review status: no assertion criteria provided. Collection method: clinical testing. Allele origin: germline. Not counted in ClinVar's aggregate classification.
Comment: This variant is classified as benign based on ACMG/AMP sequence variant interpretation guidelines (Richards et al. 2015 PMID: 25741868, with internal and published modifications).

Zaffran Lab, Genetics of Cardiac Diseases Laboratory, Marseille Medical Genetics
Classification: Uncertain significance for hypertrophic cardiomyopathy. Review status: no assertion criteria provided. Collection method: research. Allele origin: unknown. Affected: yes. Not counted in ClinVar's aggregate classification.

NM_020433.5(JPH2):c.661T>C (p.Phe221Leu)

Gene: JPH2 (junctophilin 2; minus strand). Cytogenetic location: 20q13.12.
Variant type: single nucleotide variant.
Coding change: c.661T>C on transcript NM_020433.5 (MANE Select); coding-DNA position 661, T replaced by C.
Protein change: p.Phe221Leu; replaces phenylalanine 221 with leucine.
Molecular consequence: missense variant.
Genome position (GRCh38, 1-based): chr20:44,160,126, A>G on the plus strand (T>C on the coding strand, the complement: JPH2 is on the minus strand). VCF-style: chr20-44160126-A-G. GRCh37 (hg19) VCF-style: chr20-42788766-A-G.
Other names: p.F221L:TTC>CTC; short protein forms F221L.
Identifiers: ClinVar variation 201798 (VCV000201798.53), dbSNP rs558770240, ClinGen allele CA335226.